The following is an entry in ClinVar:

ClinVar aggregate classification (germline): Uncertain significance (1 of 4 stars; one submission).

Conditions:
Alstrom syndrome (ALMS). Identifiers: Orphanet 64, MedGen C0268425, MONDO:0008763, OMIM 203800.

Allele frequency attached by ClinVar (database versions not stated): TOPMed below 0.00001; gnomAD 0.00001.
gnomAD v4.1: 2 of 1,613,902 alleles (0.00012%); highest among the groups gnomAD compares: African/African-American, 0.0027%; no homozygotes.

Submission:

Labcorp Genetics (formerly Invitae), Labcorp
Classification: Uncertain significance for Alstrom syndrome. Last evaluated: 2022-05-20. Review status: criteria provided, single submitter. Criteria: Invitae Variant Classification Sherloc (09022015). Collection method: clinical testing. Allele origin: germline.
Comment: This sequence change replaces valine, which is neutral and non-polar, with phenylalanine, which is neutral and non-polar, at codon 935 of the ALMS1 protein (p.Val935Phe). This variant is present in population databases (no rsID available, gnomAD 0.007%). This variant has not been reported in the literature in individuals affected with ALMS1-related conditions. Experimental studies and prediction algorithms are not available or were not evaluated, and the functional significance of this variant is currently unknown. In summary, the available evidence is currently insufficient to determine the role of this variant in disease. Therefore, it has been classified as a Variant of Uncertain Significance.

NM_001378454.1(ALMS1):c.2800G>T (p.Val934Phe)

Gene: ALMS1 (ALMS1 centrosome and basal body associated protein; plus strand). Cytogenetic location: 2p13.1.
Variant type: single nucleotide variant.
Coding change: c.2800G>T on transcript NM_001378454.1 (MANE Select); coding-DNA position 2800, G replaced by T.
Protein change: p.Val934Phe; replaces valine 934 with phenylalanine.
Molecular consequence: missense variant.
Genome position (GRCh38, 1-based): chr2:73,449,327, G>T. VCF-style: chr2-73449327-G-T. GRCh37 (hg19) VCF-style: chr2-73676454-G-T.
Other names: c.2803G>T, p.Val935Phe (NM_015120.4); short protein forms V934F, V935F.
Identifiers: ClinVar variation 1950528 (VCV001950528.2), dbSNP rs1443249517, ClinGen allele CA347272171.